The following is an entry in ClinVar:

NM_007294.4(BRCA1):c.2611_2612delinsGT (p.Pro871Val)

Gene: BRCA1 (BRCA1 DNA repair associated; minus strand). Cytogenetic location: 17q21.31.
Variant type: Indel.
Coding change: c.2611_2612delinsGT on transcript NM_007294.4 (MANE Select); coding-DNA positions 2611 to 2612, CC replaced by GT.
Protein change: p.Pro871Val; replaces proline 871 with valine.
Molecular consequence: missense variant. On other transcripts: intron variant (137).
Genome position (GRCh38, 1-based): chr17:43,092,919-43,092,920, GG replaced by AC on the plus strand (CC replaced by GT on the coding strand, the reverse complement: BRCA1 is on the minus strand). VCF-style: chr17-43092919-GG-AC. GRCh37 (hg19) VCF-style: chr17-41244936-GG-AC.
Other names: c.2467_2468delinsGT, p.Pro823Val (NM_001407964.1, NM_001407740.1, NM_001407741.1 and 20 more transcripts); c.2107_2108delinsGT, p.Pro703Val (NM_001407965.1); c.1723_1724delinsGT, p.Pro575Val (NM_001407966.1, NM_001407967.1); c.2470_2471delinsGT, p.Pro824Val (NM_007297.4, NM_001407692.1, NM_001407694.1 and 29 more transcripts); c.2611_2612delinsGT, p.Pro871Val (NM_007300.4, NM_001407581.1, NM_001407582.1 and 30 more transcripts); c.646+1824_646+1825delinsGT (NM_001408458.1, NM_001408469.1, NM_001408453.1 and 11 more transcripts); c.283+1824_283+1825delinsGT (NM_001408512.1); c.406+1824_406+1825delinsGT (NM_001408510.1); and 41 more; short protein forms P824V, P871V, P575V, P759V, P801V, P830V, P760V, P804V.
Identifiers: ClinVar variation 418068 (VCV000418068.18), dbSNP rs1064793056, ClinGen allele CA16620437.

ClinVar aggregate classification (germline): Conflicting classifications of pathogenicity. Review status: criteria provided, conflicting classifications (1 of 4 stars). 4 submissions from 4 submitters: Uncertain significance (3); Likely benign (1). Last evaluated 2023-11-27.

Conditions:
Hereditary cancer-predisposing syndrome. Also called: Hereditary neoplastic syndrome; Tumor predisposition; Neoplastic Syndromes, Hereditary; Hereditary Cancer Syndrome. Identifiers: Orphanet 140162, MedGen C0027672, MeSH D009386, MONDO:0015356.
Hereditary breast ovarian cancer syndrome. Also called: Hereditary breast and ovarian cancer; Hereditary breast and/or ovarian cancer syndrome; Hereditary breast and ovarian cancer syndrome; Hereditary breast and ovarian cancer syndrome (HBOC); Breast and ovarian cancer; BRCA1- and BRCA2-Associated Hereditary Breast and Ovarian Cancer. Identifiers: Orphanet 145, MedGen C0677776, MeSH D061325, MONDO:0003582. Disease mechanism: loss of function.

Submissions (4):

Labcorp Genetics (formerly Invitae), Labcorp
Classification: Uncertain significance for Hereditary breast ovarian cancer syndrome. Last evaluated: 2023-11-27. Review status: criteria provided, single submitter. Criteria: Invitae Variant Classification Sherloc (09022015). Collection method: clinical testing. Allele origin: germline.
Comment: This sequence change replaces proline, which is neutral and non-polar, with valine, which is neutral and non-polar, at codon 871 of the BRCA1 protein (p.Pro871Val). Information on the frequency of this variant in the gnomAD database is not available, as this variant may be reported differently in the database. This variant has not been reported in the literature in individuals affected with BRCA1-related conditions. ClinVar contains an entry for this variant (Variation ID: 418068). An algorithm developed to predict the effect of missense changes on protein structure and function (PolyPhen-2) suggests that this variant is likely to be tolerated. In summary, the available evidence is currently insufficient to determine the role of this variant in disease. Therefore, it has been classified as a Variant of Uncertain Significance.

University of Washington Department of Laboratory Medicine, University of Washington
Classification: Likely benign for Hereditary cancer-predisposing syndrome. Last evaluated: 2023-03-23. Review status: criteria provided, single submitter. Criteria: Dines et al. (Genet Med. 2020). Collection method: curation. Allele origin: germline.
Comment: Missense variant in a coldspot region where missense variants are very unlikely to be pathogenic (PMID:31911673).

BRCA1 coldspot (exon 11 using historical exon numbering). Reclassification based on statistical prior probability

Ambry Genetics
Classification: Uncertain significance for Hereditary cancer-predisposing syndrome. Last evaluated: 2019-08-01. Review status: criteria provided, single submitter. Criteria: Ambry Variant Classification Scheme 2023. Collection method: clinical testing. Allele origin: germline.
Comment: The c.2611_2612delCCinsGT variant, located in coding exon 9 of the BRCA1 gene, results from an in-frame deletion of CC and insertion of GT at nucleotide positions 2611 to 2612. This results in the substitution of the proline residue for a valine residue at codon 871, an amino acid with similar properties. This amino acid position is well conserved in available vertebrate species. In addition, this alteration is predicted to be neutral by in silico analysis (Choi Y et al. PLoS ONE. 2012; 7(10):e46688). Since supporting evidence is limited at this time, the clinical significance of this alteration remains unclear.

GeneDx
Classification: Uncertain significance. Last evaluated: 2014-10-24. Review status: criteria provided, single submitter. Criteria: GeneDx Variant Classification (06012015). Collection method: clinical testing. Allele origin: germline. Affected: yes.
Comment: This variant is denoted BRCA1 c.2611_2612delCCinsGT at the cDNA level, p.Pro871Val (P871V) at the protein level. The normal sequence, with the bases that are deleted and inserted in brackets, is TGCT[delCCinsGT]GTTT. This in frame deletion and insertion occurs on the same allele (in cis) and results in the missense change of a Proline to a Valine (CCG>GTG). This variant has not, to our knowledge, been published in the literature as either a mutation or benign polymorhism. BRCA1 Pro871Val was not observed in approximately 6,500 individuals of European and African American ancestry in the NHLBI Exome Sequencing Project, indicating it is not a common benign variant in these populations. Since Proline and Valine differ in some properties, this is considered a semi-conservative amino acid substitution. BRCA1 Pro871Val occurs at a position that is highly variable across species and is located in the DNA-binding domain (Narod 2004). In silico analyses are inconsistent regarding the effect this variant may have on protein structure and function. Based on currently available information, we consider BRCA1 Pro871Val to be a variant of uncertain significance.